The following is an entry in ClinVar:

ClinVar aggregate classification (germline): Uncertain significance (1 of 4 stars; one submission).

Allele frequency attached by ClinVar (database versions not stated): TOPMed 0.00001; gnomAD exomes 0.00001; gnomAD 0.00003.
gnomAD v4.1: 15 of 1,190,654 alleles (0.0013%); highest among the groups gnomAD compares: East Asian, 0.003%; no homozygotes.

Submission:

Labcorp Genetics (formerly Invitae), Labcorp
Classification: Uncertain significance. Last evaluated: 2025-05-02. Review status: criteria provided, single submitter. Criteria: Invitae Variant Classification Sherloc (09022015). Collection method: clinical testing. Allele origin: germline.
Comment: This sequence change replaces arginine, which is basic and polar, with histidine, which is basic and polar, at codon 565 of the DRP2 protein (p.Arg565His). This variant is present in population databases (rs778779918, gnomAD 0.2%). This variant has not been reported in the literature in individuals affected with DRP2-related conditions. ClinVar contains an entry for this variant (Variation ID: 2993701). Invitae Evidence Modeling of protein sequence and biophysical properties (such as structural, functional, and spatial information, amino acid conservation, physicochemical variation, residue mobility, and thermodynamic stability) has been performed for this missense variant. However, the output from this modeling did not meet the statistical confidence thresholds required to predict the impact of this variant on DRP2 protein function. In summary, the available evidence is currently insufficient to determine the role of this variant in disease. Therefore, it has been classified as a Variant of Uncertain Significance.

NM_001939.3(DRP2):c.1694G>A (p.Arg565His)

Gene: DRP2 (dystrophin related protein 2; plus strand). Cytogenetic location: Xq22.1.
Variant type: single nucleotide variant.
Coding change: c.1694G>A on transcript NM_001939.3 (MANE Select); coding-DNA position 1694, G replaced by A.
Protein change: p.Arg565His; replaces arginine 565 with histidine.
Molecular consequence: missense variant.
Genome position (GRCh38, 1-based): chrX:101,250,576, G>A. VCF-style: chrX-101250576-G-A. GRCh37 (hg19) VCF-style: chrX-100505565-G-A.
Other names: c.1460G>A, p.Arg487His (NM_001171184.2); short protein forms R487H, R565H.
Identifiers: ClinVar variation 2993701 (VCV002993701.3), dbSNP rs778779918, ClinGen allele CA333091180.